The following is an entry in ClinVar:

NM_001128205.2(SULF1):c.2599del (p.Asp867fs)

Gene: SULF1 (sulfatase 1; plus strand). Cytogenetic location: 8q13.3.
Variant type: Deletion.
Coding change: c.2599del on transcript NM_001128205.2 (MANE Select); coding-DNA position 2599, one base deleted (G; older notation c.2599delG).
Protein change: p.Asp867fs; shifts the reading frame from aspartic acid 867.
Molecular consequence: frameshift variant. On other transcripts: 3 prime UTR variant (2), non-coding transcript variant (7).
Genome position (GRCh38, 1-based): chr8:69,658,518, G deleted; the last of 3 consecutive G bases (chr8:69,658,516-69,658,518); deleting any one gives the same sequence. VCF-style (leftmost placement, unchanged base first): chr8-69658515-TG-T. GRCh37 (hg19) VCF-style: chr8-70570750-TG-T.
Other names: c.2599del, p.Asp867fs (NM_001128204.2, NM_001128206.2, NM_015170.3 and 1 more transcripts); c.2565del, p.Met856fs (NM_001412828.1, NM_001412829.1, NM_001412830.1 and 1 more transcripts); c.1999del, p.Asp667fs (NM_001412845.1, NM_001412844.1); c.774del, p.Met259fs (NM_001412846.1); c.*49del (NM_001412850.1, NM_001412851.1); c.2436del, p.Met813fs (NM_001412832.1); c.2542del, p.Asp848fs (NM_001412836.1, NM_001412837.1); c.2470del, p.Asp824fs (NM_001412838.1, NM_001412839.1, NM_001412840.1); and 1 more; short protein forms D848fs, D805fs, D867fs, D667fs, M856fs, D824fs, M259fs, M813fs.
Identifiers: ClinVar variation 4775484 (VCV004775484.1).

ClinVar aggregate classification (germline): Uncertain significance (1 of 4 stars; one submission).

Submission:

Labcorp Genetics (formerly Invitae), Labcorp
Classification: Uncertain significance. Last evaluated: 2026-01-27. Review status: criteria provided, single submitter. Criteria: Invitae Variant Classification Sherloc (09022015). Collection method: clinical testing. Allele origin: germline.
Comment: This sequence change is expected to alter the c-terminus of the SULF1 protein (p.Asp867Metfs*268). While this is not anticipated to result in nonsense mediated decay, it is expected to disrupt the last 5 amino acid(s) of the SULF1 protein and extend the protein by 262 additional amino acid residues. This variant is not present in population databases (gnomAD no frequency). This variant has not been reported in the literature in individuals affected with SULF1-related conditions. Experimental studies and prediction algorithms are not available or were not evaluated, and the functional significance of this variant is currently unknown. In summary, the available evidence is currently insufficient to determine the role of this variant in disease. Therefore, it has been classified as a Variant of Uncertain Significance.